The following is an entry in ClinVar:

NM_138694.4(PKHD1):c.11918C>T (p.Thr3973Ile)

Gene: PKHD1 (PKHD1 ciliary IPT domain containing fibrocystin/polyductin; minus strand). Cytogenetic location: 6p12.3.
Variant type: single nucleotide variant.
Coding change: c.11918C>T on transcript NM_138694.4 (MANE Select); coding-DNA position 11918, C replaced by T.
Protein change: p.Thr3973Ile; replaces threonine 3973 with isoleucine.
Molecular consequence: missense variant.
Genome position (GRCh38, 1-based): chr6:51,619,388, G>A on the plus strand (C>T on the coding strand, the complement: PKHD1 is on the minus strand). VCF-style: chr6-51619388-G-A. GRCh37 (hg19) VCF-style: chr6-51484186-G-A.
Other names: c.11918C>T (NM_138694.3); short protein forms T3973I.
Identifiers: ClinVar variation 1015181 (VCV001015181.10), dbSNP rs773044015, ClinGen allele CA3850656.

ClinVar aggregate classification (germline): Uncertain significance. Review status: criteria provided, multiple submitters, no conflicts (2 of 4 stars). 5 submissions from 5 submitters: Uncertain significance (4). 1 of the submissions does not count toward it. Last evaluated 2025-08-04.

Conditions:
Polycystic kidney disease 4 (PKD4). Also called: POLYCYSTIC KIDNEY DISEASE 4 WITH OR WITHOUT POLYCYSTIC LIVER DISEASE; PKD3; POLYCYSTIC KIDNEY AND HEPATIC DISEASE 1; POLYCYSTIC KIDNEY DISEASE, INFANTILE, TYPE I; Autosomal Recessive Polycystic Kidney Disease – PKHD1. Identifiers: MedGen C4540575, MONDO:0033004, OMIM 263200.
Autosomal recessive polycystic kidney disease (ARPKD). Also called: AR polycystic kidney disease. Identifiers: Orphanet 731, Orphanet 8378, MedGen C0085548, MeSH D017044, MONDO:0009889.
Inborn genetic diseases. Identifiers: MedGen C0950123, MeSH D030342.

Allele frequency attached by ClinVar (database versions not stated): ExAC 0.00001; gnomAD exomes 0.00001; gnomAD 0.00002; TOPMed 0.00002.
gnomAD v4.1: 33 of 1,613,714 alleles (0.002%); highest among the groups gnomAD compares: Non-Finnish European, 0.0026%; no homozygotes.

Submissions (5):

Ambry Genetics
Classification: Uncertain significance for Inborn genetic diseases. Last evaluated: 2025-08-04. Review status: criteria provided, single submitter. Criteria: Ambry Variant Classification Scheme 2023. Collection method: clinical testing. Allele origin: germline.

Blueprint Genetics
Classification: Uncertain significance. Last evaluated: 2024-07-11. Review status: criteria provided, single submitter. Criteria: ACMG Guidelines, 2015. Collection method: clinical testing. Allele origin: germline.

Fulgent Genetics
Classification: Uncertain significance for Polycystic kidney disease 4. Last evaluated: 2024-04-02. Review status: criteria provided, single submitter. Criteria: ACMG Guidelines, 2015. Collection method: clinical testing. Allele origin: germline.

Labcorp Genetics (formerly Invitae), Labcorp
Classification: Uncertain significance for Autosomal recessive polycystic kidney disease. Last evaluated: 2021-08-27. Review status: criteria provided, single submitter. Criteria: Invitae Variant Classification Sherloc (09022015). Collection method: clinical testing. Allele origin: germline.
Comment: This sequence change replaces threonine with isoleucine at codon 3973 of the PKHD1 protein (p.Thr3973Ile). The threonine residue is weakly conserved and there is a moderate physicochemical difference between threonine and isoleucine. This variant is present in population databases (rs773044015, ExAC 0.01%). This variant has not been reported in the literature in individuals affected with PKHD1-related conditions. Algorithms developed to predict the effect of missense changes on protein structure and function (SIFT, PolyPhen-2, Align-GVGD) all suggest that this variant is likely to be tolerated. In summary, the available evidence is currently insufficient to determine the role of this variant in disease. Therefore, it has been classified as a Variant of Uncertain Significance.

Natera, Inc.
Classification: Uncertain significance for Autosomal recessive polycystic kidney disease. Last evaluated: 2019-04-01. Review status: no assertion criteria provided. Collection method: clinical testing. Allele origin: germline. Not counted in ClinVar's aggregate classification.